The following is an entry in ClinVar:

NM_022168.4(IFIH1):c.1864G>A (p.Ala622Thr)

Gene: IFIH1 (interferon induced with helicase C domain 1; minus strand). Cytogenetic location: 2q24.2.
Variant type: single nucleotide variant.
Coding change: c.1864G>A on transcript NM_022168.4 (MANE Select); coding-DNA position 1864, G replaced by A.
Protein change: p.Ala622Thr; replaces alanine 622 with threonine.
Molecular consequence: missense variant.
Genome position (GRCh38, 1-based): chr2:162,277,595, C>T on the plus strand (G>A on the coding strand, the complement: IFIH1 is on the minus strand). VCF-style: chr2-162277595-C-T. GRCh37 (hg19) VCF-style: chr2-163134105-C-T.
Other names: short protein forms A622T.
Identifiers: ClinVar variation 2948051 (VCV002948051.3), dbSNP rs1356023008, ClinGen allele CA348999438.

ClinVar aggregate classification (germline): Uncertain significance (1 of 4 stars; one submission).

Conditions:
Singleton-Merten syndrome 1 (SGMRT1). Also called: Widened medullary cavities of bone, aortic calcification, abnormal dentition, and muscular weakness; Syndrome of widened medullary cavities of the metacarpals and phalanges, aortic calcification and abnormal dentition. Identifiers: Orphanet 85191, MedGen C4225427, MONDO:0024535, OMIM 182250.
Aicardi-Goutieres syndrome 7 (AGS7). Identifiers: Orphanet 51, MedGen C3888244, MONDO:0014367, OMIM 615846.

Allele frequency attached by ClinVar (database versions not stated): gnomAD 0.00001.
gnomAD v4.1: 2 of 1,612,956 alleles (0.00012%); highest among the groups gnomAD compares: East Asian, 0.0045%; no homozygotes.

Submission:

Labcorp Genetics (formerly Invitae), Labcorp
Classification: Uncertain significance for Aicardi-Goutieres syndrome 7; Singleton-Merten syndrome 1. Last evaluated: 2023-05-22. Review status: criteria provided, single submitter. Criteria: Invitae Variant Classification Sherloc (09022015). Collection method: clinical testing. Allele origin: germline.
Comment: In summary, the available evidence is currently insufficient to determine the role of this variant in disease. Therefore, it has been classified as a Variant of Uncertain Significance. Advanced modeling of protein sequence and biophysical properties (such as structural, functional, and spatial information, amino acid conservation, physicochemical variation, residue mobility, and thermodynamic stability) has been performed at Invitae for this missense variant, however the output from this modeling did not meet the statistical confidence thresholds required to predict the impact of this variant on IFIH1 protein function. This variant has not been reported in the literature in individuals affected with IFIH1-related conditions. This variant is present in population databases (no rsID available, gnomAD 0.02%). This sequence change replaces alanine, which is neutral and non-polar, with threonine, which is neutral and polar, at codon 622 of the IFIH1 protein (p.Ala622Thr).